The following is an entry in ClinVar:

ClinVar aggregate classification (germline): Uncertain significance (1 of 4 stars; one submission).

Conditions:
Anterior segment dysgenesis. Also called: Ocular anterior segment dysgenesis. Identifiers: Orphanet 88632, MedGen C1862839, MONDO:0019503, HP:0007700.
Congenital primary aphakia. Also called: Anterior segment dysgenesis 2, multiple subtypes; ANTERIOR SEGMENT DYSGENESIS 2. Identifiers: Orphanet 83461, MedGen C1853230, MONDO:0012456, OMIM 610256.

Submission:

Labcorp Genetics (formerly Invitae), Labcorp
Classification: Uncertain significance for Anterior segment dysgenesis; Congenital primary aphakia. Last evaluated: 2025-03-13. Review status: criteria provided, single submitter. Criteria: Invitae Variant Classification Sherloc (09022015). Collection method: clinical testing. Allele origin: germline.
Comment: This variant, c.403_411dup, results in the insertion of 3 amino acid(s) of the FOXE3 protein (p.Glu135_Gly137dup), but otherwise preserves the integrity of the reading frame. This variant is present in population databases (rs746969144, gnomAD 0.003%). This variant has not been reported in the literature in individuals affected with FOXE3-related conditions. In summary, the available evidence is currently insufficient to determine the role of this variant in disease. Therefore, it has been classified as a Variant of Uncertain Significance.

NM_012186.3(FOXE3):c.403_411dup (p.Gly137_Asn138insGluProGly)

Genes: FOXE3 (forkhead box E3; plus strand), LINC01389 (long independently transcribed non-coding RNA 1389; minus strand). Cytogenetic location: 1p33.
Variant type: Duplication.
Coding change: c.403_411dup on transcript NM_012186.3 (MANE Select); coding-DNA positions 403 to 411, 9 bases duplicated (GAGCCGGGC; older notation c.403_411dupGAGCCGGGC).
Protein change: p.Gly137_Asn138insGluProGly.
Genome position (GRCh38, 1-based): chr1:47,416,718-47,416,726, GAGCCGGGC duplicated; duplicating any 9 consecutive bases within chr1:47,416,716-47,416,726 gives the same sequence; the c. name uses the placement nearest the transcript's 3' end. VCF-style (leftmost placement, unchanged base first): chr1-47416715-C-CGCGAGCCGG. GRCh37 (hg19) VCF-style: chr1-47882387-C-CGCGAGCCGG.
Identifiers: ClinVar variation 4788278 (VCV004788278.1).
Genomic context (GRCh38, chr1:47,416,715, plus strand): 5'-AAGTGGCAGAACAGCATCCGCCACAATCTCACGCTCAACGACTGCTTCGTCAAGGTGCCC[C>CGCGAGCCGG]GCGAGCCGGGCAACCCGGGCAAGGGCAACTACTGGACGCTGGACCCCGCGGCCGCAGACA-3'